The following is an entry in ClinVar:

NM_058216.3(RAD51C):c.572-23_572-20del

Gene: RAD51C (RAD51 paralog C; plus strand). Cytogenetic location: 17q22.
Variant type: Deletion.
Coding change: c.572-23_572-20del on transcript NM_058216.3 (MANE Select); 23 bases into the intron before coding-DNA position 572 through 20 bases into the intron before coding-DNA position 572, 4 bases deleted (TTAA; older notation c.572-23_572-20delTTAA).
Molecular consequence: intron variant.
Genome position (GRCh38, 1-based): chr17:58,703,173-58,703,176, TTAA deleted; deleting any 4 consecutive bases within chr17:58,703,170-58,703,176 gives the same sequence; the c. name uses the placement nearest the transcript's 3' end. VCF-style (leftmost placement, unchanged base first): chr17-58703169-CTAAT-C. GRCh37 (hg19) VCF-style: chr17-56780530-CTAAT-C.
Identifiers: ClinVar variation 3904125 (VCV003904125.1).

ClinVar aggregate classification (germline): Benign (1 of 4 stars; one submission).

Conditions:
Breast-ovarian cancer, familial, susceptibility to, 3. Also called: RAD51C-Related Breast/Ovarian Cancer. Identifiers: Orphanet 145, MedGen C3150659, MONDO:0013253, OMIM 613399.

Submission:

Myriad Genetics, Inc.
Classification: Benign for Breast-ovarian cancer, familial, susceptibility to, 3. Last evaluated: 2025-02-18. Review status: criteria provided, single submitter. Criteria: Myriad Autosomal Dominant, Autosomal Recessive and X-Linked Classification Criteria (2023). Collection method: clinical testing. Allele origin: unknown.
Comment: This variant is considered benign. This variant is intronic and is not expected to impact mRNA splicing.